The following is an entry in ClinVar:

NM_014625.4(NPHS2):c.220G>A (p.Gly74Ser)

Gene: NPHS2 (NPHS2 stomatin family member, podocin; minus strand). Cytogenetic location: 1q25.2.
Variant type: single nucleotide variant.
Coding change: c.220G>A on transcript NM_014625.4 (MANE Select); coding-DNA position 220, G replaced by A.
Protein change: p.Gly74Ser; replaces glycine 74 with serine.
Molecular consequence: missense variant.
Genome position (GRCh38, 1-based): chr1:179,575,645, C>T on the plus strand (G>A on the coding strand, the complement: NPHS2 is on the minus strand). VCF-style: chr1-179575645-C-T. GRCh37 (hg19) VCF-style: chr1-179544780-C-T.
Other names: c.220G>A, p.Gly74Ser (NM_001297575.2); c.220G>A (NM_014625.3); short protein forms G74S.
Identifiers: ClinVar variation 873811 (VCV000873811.9), dbSNP rs200544576, ClinGen allele CA1267294.

ClinVar aggregate classification (germline): Uncertain significance. Review status: criteria provided, multiple submitters, no conflicts (2 of 4 stars). 6 submissions from 6 submitters: Uncertain significance (6). Last evaluated 2025-03-03.

Conditions:
NPHS2-related disorder. Also called: NPHS2-related condition.
Inborn genetic diseases. Identifiers: MedGen C0950123, MeSH D030342.
Nephrotic syndrome, type 2 (NPHS2). Also called: NEPHROTIC SYNDROME, STEROID-RESISTANT, AUTOSOMAL RECESSIVE. Identifiers: Orphanet 656, MedGen C1868672, MONDO:0010974, OMIM 600995.

Allele frequency attached by ClinVar (database versions not stated): gnomAD 0.00016 and 0.00013; ExAC 0.00020; gnomAD exomes 0.00013 and 0.00015; TOPMed 0.00014.

Submissions (6):

Ambry Genetics
Classification: Uncertain significance for Inborn genetic diseases. Last evaluated: 2025-03-03. Review status: criteria provided, single submitter. Criteria: Ambry Variant Classification Scheme 2023. Collection method: clinical testing. Allele origin: germline.

Fulgent Genetics
Classification: Uncertain significance for Nephrotic syndrome, type 2. Last evaluated: 2024-04-23. Review status: criteria provided, single submitter. Criteria: ACMG Guidelines, 2015. Collection method: clinical testing. Allele origin: germline.

PreventionGenetics, part of Exact Sciences
Classification: Uncertain significance for NPHS2-related condition. Last evaluated: 2023-07-24. Review status: criteria provided, single submitter. Criteria: ACMG Guidelines, 2015. Collection method: clinical testing. Allele origin: germline.
Comment: The NPHS2 c.220G>A variant is predicted to result in the amino acid substitution p.Gly74Ser. To our knowledge, this variant has not been reported in the literature. This variant is reported in 0.028% of alleles in individuals of European (Non-Finnish) descent in gnomAD. At this time, the clinical significance of this variant is uncertain due to the absence of conclusive functional and genetic evidence.

Genome-Nilou Lab
Classification: Uncertain significance for Nephrotic syndrome, type 2. Last evaluated: 2023-04-11. Review status: criteria provided, single submitter. Criteria: ACMG Guidelines, 2015. Collection method: clinical testing. Allele origin: germline. Affected: no.

Labcorp Genetics (formerly Invitae), Labcorp
Classification: Uncertain significance. Last evaluated: 2022-05-27. Review status: criteria provided, single submitter. Criteria: Invitae Variant Classification Sherloc (09022015). Collection method: clinical testing. Allele origin: germline.
Comment: This sequence change replaces glycine, which is neutral and non-polar, with serine, which is neutral and polar, at codon 74 of the NPHS2 protein (p.Gly74Ser). This variant is present in population databases (rs200544576, gnomAD 0.03%). This variant has not been reported in the literature in individuals affected with NPHS2-related conditions. ClinVar contains an entry for this variant (Variation ID: 873811). Advanced modeling of protein sequence and biophysical properties (such as structural, functional, and spatial information, amino acid conservation, physicochemical variation, residue mobility, and thermodynamic stability) performed at Invitae indicates that this missense variant is not expected to disrupt NPHS2 protein function. In summary, the available evidence is currently insufficient to determine the role of this variant in disease. Therefore, it has been classified as a Variant of Uncertain Significance.

Illumina Laboratory Services, Illumina
Classification: Uncertain significance for Nephrotic syndrome, type 2. Last evaluated: 2018-01-12. Review status: criteria provided, single submitter. Criteria: ICSL Variant Classification Criteria 13 December 2019. Collection method: clinical testing. Allele origin: germline.